The following is an entry in ClinVar:

ClinVar aggregate classification (germline): Conflicting classifications of pathogenicity. Review status: criteria provided, conflicting classifications (1 of 4 stars). 3 submissions from 3 submitters: Uncertain significance (2); Likely benign (1). Last evaluated 2025-07-06.

Conditions:
GRN-related frontotemporal lobar degeneration with Tdp43 inclusions (FTD2). Also called: DEMENTIA, HEREDITARY DYSPHASIC DISINHIBITION; FRONTOTEMPORAL LOBAR DEGENERATION WITH UBIQUITIN-POSITIVE INCLUSIONS; FTLD-TDP, GRN-RELATED; GRN Frontotemporal Dementia; FRONTOTEMPORAL DEMENTIA WITH TDP43 INCLUSIONS, GRN-RELATED. Identifiers: Orphanet 100070, Orphanet 282, MedGen C1843792, MONDO:0011842, OMIM 607485. Disease mechanism: loss of function.
Neuronal ceroid lipofuscinosis 11. Also called: GRN-Related Neuronal Ceroid-Lipofuscinosis. Identifiers: Orphanet 314629, Orphanet 79262, MedGen C3539123, MONDO:0013866, OMIM 614706.

Allele frequency attached by ClinVar (database versions not stated): gnomAD 0.00002; gnomAD exomes 0.00002; ExAC 0.00003; TOPMed 0.00003; ESP Exome Variant Server 0.00015.
gnomAD v4.1: 71 of 1,612,862 alleles (0.0044%); highest among the groups gnomAD compares: Non-Finnish European, 0.0051%; no homozygotes.

Submissions (3):

Labcorp Genetics (formerly Invitae), Labcorp
Classification: Uncertain significance for Neuronal ceroid lipofuscinosis 11; GRN-related frontotemporal lobar degeneration with Tdp43 inclusions. Last evaluated: 2025-07-06. Review status: criteria provided, single submitter. Criteria: Invitae Variant Classification Sherloc (09022015). Collection method: clinical testing. Allele origin: germline.
Comment: This sequence change replaces arginine, which is basic and polar, with histidine, which is basic and polar, at codon 478 of the GRN protein (p.Arg478His). This variant is present in population databases (rs140747584, gnomAD 0.009%). This variant has not been reported in the literature in individuals affected with GRN-related conditions. ClinVar contains an entry for this variant (Variation ID: 1410794). Invitae Evidence Modeling of protein sequence and biophysical properties (such as structural, functional, and spatial information, amino acid conservation, physicochemical variation, residue mobility, and thermodynamic stability) indicates that this missense variant is not expected to disrupt GRN protein function with a negative predictive value of 80%. In summary, the available evidence is currently insufficient to determine the role of this variant in disease. Therefore, it has been classified as a Variant of Uncertain Significance.

GeneDx
Classification: Uncertain significance. Last evaluated: 2025-06-05. Review status: criteria provided, single submitter. Criteria: GeneDx Variant Classification Process June 2021. Collection method: clinical testing. Allele origin: germline. Affected: yes.
Comment: Reported as a single heterozygous variant in a patient with Parkinson disease in published literature, although familial segregation information and additional clinical information were not included (PMID: 29692703); In silico analysis suggests that this missense variant does not alter protein structure/function; This variant is associated with the following publications: (PMID: 29692703)

Blueprint Genetics
Classification: Likely benign. Last evaluated: 2024-09-17. Review status: criteria provided, single submitter. Criteria: ACMG Guidelines, 2015. Collection method: clinical testing. Allele origin: germline.

NM_002087.4(GRN):c.1433G>A (p.Arg478His)

Gene: GRN (granulin precursor; plus strand). Cytogenetic location: 17q21.31.
Variant type: single nucleotide variant.
Coding change: c.1433G>A on transcript NM_002087.4 (MANE Select); coding-DNA position 1433, G replaced by A.
Protein change: p.Arg478His; replaces arginine 478 with histidine.
Molecular consequence: missense variant.
Genome position (GRCh38, 1-based): chr17:44,352,360, G>A. VCF-style: chr17-44352360-G-A. GRCh37 (hg19) VCF-style: chr17-42429728-G-A.
Other names: c.1433G>A (NM_002087.2); short protein forms R478H.
Identifiers: ClinVar variation 1410794 (VCV001410794.8), dbSNP rs140747584, ClinGen allele CA8602207.